The following is an entry in ClinVar:

ClinVar aggregate classification (germline): Uncertain significance (1 of 4 stars; one submission).

Conditions:
Charcot-Marie-Tooth disease recessive intermediate C. Also called: CHARCOT-MARIE-TOOTH NEUROPATHY, RECESSIVE INTERMEDIATE C. Identifiers: Orphanet 369867, MedGen C3809309, MONDO:0014154, OMIM 615376.

Allele frequency attached by ClinVar (database versions not stated): TOPMed below 0.00001; gnomAD exomes 0.00001; gnomAD 0.00002; 1000 Genomes Project 0.00020; 1000 Genomes Project 30x 0.00047.
gnomAD v4.1: 15 of 1,553,332 alleles (0.00097%); highest among the groups gnomAD compares: South Asian, 0.0082%; no homozygotes.

Submission:

Neuberg Centre For Genomic Medicine, NCGM
Classification: Uncertain significance for Charcot-Marie-Tooth disease recessive intermediate C. Review status: criteria provided, single submitter. Criteria: ACMG Guidelines, 2015. Collection method: clinical testing. Allele origin: germline. Inheritance: Autosomal recessive inheritance. Affected: yes.
Comment: The observed missense c.2839G>A(p.Gly947Arg) variant in PLEKHG5 gene has not been reported previously as a pathogenic variant nor as a benign variant, to our knowledge. This variant is present with an allele frequency of 0.002% in gnomAD Exomes database. This variant has not been submitted to the ClinVar database. The amino acid Gly at position 947 is changed to a Arg changing protein sequence and it might alter its composition and physico-chemical properties. Computational evidence (Polyphen - Benign, SIFT - Tolerated and MutationTaster - Polymorphism) predicts conflicting evidence on protein structure and function for this variant. For these reasons, this variant has been classified as Variant of Uncertain Significance.

NM_020631.6(PLEKHG5):c.2839G>A (p.Gly947Arg)

Gene: PLEKHG5 (pleckstrin homology and RhoGEF domain containing G5; minus strand). Cytogenetic location: 1p36.31.
Variant type: single nucleotide variant.
Coding change: c.2839G>A on transcript NM_020631.6 (MANE Select); coding-DNA position 2839, G replaced by A.
Protein change: p.Gly947Arg; replaces glycine 947 with arginine.
Molecular consequence: missense variant. On other transcripts: intron variant (1).
Genome position (GRCh38, 1-based): chr1:6,467,997, C>T on the plus strand (G>A on the coding strand, the complement: PLEKHG5 is on the minus strand). VCF-style: chr1-6467997-C-T. GRCh37 (hg19) VCF-style: chr1-6528057-C-T.
Other names: c.2950G>A, p.Gly984Arg (NM_001042663.3, NM_001265592.2); c.2839G>A, p.Gly947Arg (NM_001042664.2, NM_001042665.2, NM_198681.4); c.3046G>A, p.Gly1016Arg (NM_001265593.2); c.2738-99G>A (NM_001265594.3); short protein forms G1016R, G947R, G984R.
Identifiers: ClinVar variation 3242126 (VCV003242126.1), dbSNP rs555305602.
Genomic context (GRCh38, chr1:6,467,997, plus strand): 5'-TGGGAGAGGCCCCCGAGGGCAGGTCTCCACACCTCTTCCTGTGGGAGCCTGCAGGTTCCC[C>T]GGCCAGGCAGCCGACTAGCCCAGGACCGCTGCCAGGGCTAGGGGCCCCTCGGCAATCCCA-3'
Protein context (NP_065682.2, residues 937-957): SGPGLVGCLA[Gly947Arg]EPAGSHRKRC